The following is an entry in ClinVar:

ClinVar aggregate classification (germline): Uncertain significance. Review status: criteria provided, multiple submitters, no conflicts (2 of 4 stars). 2 submissions from 2 submitters: Uncertain significance (2). Last evaluated 2025-07-31.

Conditions:
Inborn genetic diseases. Identifiers: MedGen C0950123, MeSH D030342.
Mosaic variegated aneuploidy syndrome 2 (MVA2). Identifiers: Orphanet 1052, MedGen C3279843, MONDO:0013582, OMIM 614114.

Allele frequency attached by ClinVar (database versions not stated): gnomAD exomes 0.00001 and 0.00003; TOPMed 0.00001; ExAC 0.00005.
gnomAD v4.1: 19 of 1,604,054 alleles (0.0012%); highest among the groups gnomAD compares: South Asian, 0.0099%; 1 homozygote.

Submissions (2):

Labcorp Genetics (formerly Invitae), Labcorp
Classification: Uncertain significance for Mosaic variegated aneuploidy syndrome 2. Last evaluated: 2025-07-31. Review status: criteria provided, single submitter. Criteria: Invitae Variant Classification Sherloc (09022015). Collection method: clinical testing. Allele origin: germline.
Comment: This sequence change replaces leucine, which is neutral and non-polar, with tryptophan, which is neutral and slightly polar, at codon 234 of the CEP57 protein (p.Leu234Trp). This variant is present in population databases (rs750192070, gnomAD 0.02%). This variant has not been reported in the literature in individuals affected with CEP57-related conditions. ClinVar contains an entry for this variant (Variation ID: 650647). An algorithm developed to predict the effect of missense changes on protein structure and function (PolyPhen-2) suggests that this variant is likely to be disruptive. In summary, the available evidence is currently insufficient to determine the role of this variant in disease. Therefore, it has been classified as a Variant of Uncertain Significance.

Ambry Genetics
Classification: Uncertain significance for Inborn genetic diseases. Last evaluated: 2025-06-07. Review status: criteria provided, single submitter. Criteria: Ambry Variant Classification Scheme 2023. Collection method: clinical testing. Allele origin: germline.

NM_014679.5(CEP57):c.701T>G (p.Leu234Trp)

Gene: CEP57 (centrosomal protein 57; plus strand). Cytogenetic location: 11q21.
Variant type: single nucleotide variant.
Coding change: c.701T>G on transcript NM_014679.5 (MANE Select); coding-DNA position 701, T replaced by G.
Protein change: p.Leu234Trp; replaces leucine 234 with tryptophan.
Molecular consequence: missense variant.
Genome position (GRCh38, 1-based): chr11:95,821,872, T>G. VCF-style: chr11-95821872-T-G. GRCh37 (hg19) VCF-style: chr11-95555036-T-G.
Other names: c.674T>G, p.Leu225Trp (NM_001243776.2); c.701T>G, p.Leu234Trp (NM_001243777.2); c.620T>G, p.Leu207Trp (NM_001363604.2); short protein forms L207W, L225W, L234W.
Identifiers: ClinVar variation 650647 (VCV000650647.10), dbSNP rs750192070, ClinGen allele CA6239575.